The following is an entry in ClinVar:

NM_000350.3(ABCA4):c.1715G>A (p.Arg572Gln)

Gene: ABCA4 (ATP binding cassette subfamily A member 4; minus strand). Cytogenetic location: 1p22.1.
Variant type: single nucleotide variant.
Coding change: c.1715G>A on transcript NM_000350.3 (MANE Select); coding-DNA position 1715, G replaced by A.
Protein change: p.Arg572Gln; replaces arginine 572 with glutamine.
Molecular consequence: missense variant.
Genome position (GRCh38, 1-based): chr1:94,063,157, C>T on the plus strand (G>A on the coding strand, the complement: ABCA4 is on the minus strand). VCF-style: chr1-94063157-C-T. GRCh37 (hg19) VCF-style: chr1-94528713-C-T.
Other names: NM_000350.3(ABCA4):c.1715G>A; c.1715G>A, p.Arg572Gln (NM_001425324.1); short protein forms R572Q.
Identifiers: ClinVar variation 7900 (VCV000007900.62), dbSNP rs61748559, ClinGen allele CA226918.

ClinVar aggregate classification (germline): Pathogenic. Review status: reviewed by expert panel (3 of 4 stars). 13 submissions from 12 submitters: Pathogenic (1). 12 of the submissions do not count toward it. Last evaluated 2025-12-05.

Conditions:
ABCA4-related retinopathy. Also called: ABCA4 retinoapthy; ABCA4-related retinoapthy. Identifiers: MedGen CN322612, MONDO:0800406.
ABCA4-related disorder. Also called: ABCA4-related condition; ABCA4-related disorders. Identifiers: MedGen CN239167.
Retinal dystrophy. Also called: Inherited retinal dystrophy. Identifiers: Orphanet 71862, MedGen C0854723, MeSH D058499, MONDO:0019118, HP:0000556.
Cone-rod dystrophy 3 (CORD3). Identifiers: Orphanet 1872, MedGen C1858806, MONDO:0011395, OMIM 604116.
Age related macular degeneration 2. Also called: MACULAR DEGENERATION, SENILE; MACULOPATHY, AGE-RELATED, 2; MACULOPATHY, AGE-RELATED. Identifiers: MedGen C3495438, MONDO:0007932, OMIM 153800.
Retinitis pigmentosa 19 (RP19). Also called: ABCA4-Related Retinitis Pigmentosa. Identifiers: Orphanet 791, MedGen C1866422, MONDO:0011137, OMIM 601718.
Severe early-childhood-onset retinal dystrophy (STGD1). Also called: Stargardt macular dystrophy; Juvenile onset macular degeneration; Stargardt disease 1; MACULAR DYSTROPHY WITH FLECKS, TYPE 1; STGD. Identifiers: Orphanet 364055, Orphanet 827, MedGen C1855465, MeSH D000080362, MONDO:0009549, OMIM 248200.
Retinal disorder. Also called: Retinopathies; Retinal Diseases; Retinal disorders; Retinopathy. Identifiers: MedGen C0035309, MONDO:0005283, HP:0000488.

Allele frequency attached by ClinVar (database versions not stated): TOPMed 0.00003; ExAC 0.00005; gnomAD 0.00005; gnomAD exomes 0.00005; 1000 Genomes Project 0.00020; 1000 Genomes Project 30x 0.00031.
gnomAD v4.1: 78 of 1,614,116 alleles (0.0048%); highest among the groups gnomAD compares: Non-Finnish European, 0.0053%; no homozygotes.

Submissions (13):

ClinGen ABCA4 Variant Curation Expert Panel, Clingen
Classification: Pathogenic for ABCA4-related retinopathy. Last evaluated: 2025-12-05. Review status: reviewed by expert panel. Criteria: ClinGen ABCA4 ACMG Specifications V1.0.0. Collection method: curation. Allele origin: germline. Inheritance: Autosomal recessive inheritance.
Comment: The NM_000350.3(ABCA4):c.1715G>A variant in ABCA4 is a missense variant predicted to cause substitution of arginine by glutamine at amino acid 572 (p.Arg572Gln). The total minor allele frequency in gnomAD v4.1.0 is 0.00004832 (78/1614116 alleles), which is lower than the ClinGen ABCA4 VCEP’s threshold for PM2_Supporting (<0.0001). The computational predictor REVEL gives a score of 0.961 which is above the threshold of >0.772, evidence that predicts a damaging effect on ABCA4 function (PP3_Moderate). This variant has been detected in at least 7 individuals with ABCA4-related retinopathy. Of those individuals, all 7 were compound heterozygous for the variant and a pathogenic variant (c.2588G>; p.Gly863Ala, c.4139C>T; p.Pro1380Leu, c.5018+2T>A, c.5196+1137G>A) and one of those was confirmed in trans by family testing (PM3_VeryStrong; PMIDs: 32893963, 10958763, 32653833, 32037395, 33214501). Another missense variant, c.1715G>C; p.Arg572Pro, in the same codon has been classified as pathogenic for ABCA4-related retinopathy by the ClinGen ABCA4 VCEP (PM5). In summary, this variant meets the criteria to be classified as pathogenic for ABCA4-related retinopathy based on the ACMG/AMP criteria applied, as specified by the ClinGen ABCA4 VCEP (Specification Version 1.0): PM3_VeryStrong, PM2_Supporting, PP3_Moderate, PM5.

PreventionGenetics, part of Exact Sciences
Classification: Likely pathogenic for ABCA4-related condition. Last evaluated: 2026-06-17. Review status: criteria provided, single submitter. Criteria: ACMG Guidelines, 2015. Collection method: clinical testing. Allele origin: germline. Not counted in ClinVar's aggregate classification.
Comment: The ABCA4 c.1715G>A variant is predicted to result in the amino acid substitution p.Arg572Gln. This variant has been reported along with a second causative ABCA4 variant in individuals with Stargardt disease or retinal disease (Lewis et al. 1999. PubMed ID: 9973280; internal data, PreventionGenetics). This variant has also been reported as a third or fourth ABCA4 variant in affected individuals and has also been observed with p.Gly863Ala (Supplementary table 1, Birtel et al. 2018. PubMed ID: 29555955; Supplemental table 1, Fujinami et al. 2018. PubMed ID: 29925512; Table S1, Lin et al. 2024. PubMed ID: 38219857; Table S1, Fenner et al. 2024. PubMed ID: 38309476; Müller et al. 2020. PubMedID: 33214501; Khan et al. 2020. PubMed ID: 32653833; Riveria et al. 2000. PubMed ID:10958763); when phasing was performed, this variant was observed on the same allele (i.e. in cis) with p.Gly863Ala (Khan et al. 2020. PubMed ID: 32653833; Riveria et al. 2000. PubMed ID:10958763). The p.Arg572Gln variant is interpreted as pathogenic by the ABCA4 Variant Curation Expert Panel (VCEP) (ClinVar Variation ID: 7900). A variant at the same amino acid position has been reported in individuals with ABCA4-related retinal disease and has been reported as pathogenic by the ABCA4 VCEP (p.Arg572Pro; Lewis et al. 1999. PubMed ID: 9973280, Table S2, Zampaglione et al. 2020. PubMed ID: 32037395; ClinVar Variation ID: 99073 ). This variant is reported in 0.0070% of alleles in individuals of European (Non-Finnish) descent in gnomAD. The p.Arg572Gln variant variant is interpreted as likely pathogenic.

Genetics Laboratory, Great Ormond Street Hospital NHS Foundation Trust, North Thames Genomic Laboratory Hub
Classification: Uncertain significance for Retinal disorders. Last evaluated: 2025-12-02. Review status: criteria provided, single submitter. Criteria: ACGS Best Practice Guidelines for Variant Classification in Rare Disease 2024 v1.2. Collection method: clinical testing. Allele origin: germline. Affected: yes. Not counted in ClinVar's aggregate classification.
Comment: PM2_moderate, PP3_supporting, PM3_moderate

Labcorp Genetics (formerly Invitae), Labcorp
Classification: Likely pathogenic. Last evaluated: 2025-08-12. Review status: criteria provided, single submitter. Criteria: Invitae Variant Classification Sherloc (09022015). Collection method: clinical testing. Allele origin: germline. Not counted in ClinVar's aggregate classification.
Comment: This sequence change replaces arginine, which is basic and polar, with glutamine, which is neutral and polar, at codon 572 of the ABCA4 protein (p.Arg572Gln). This variant is present in population databases (rs61748559, gnomAD 0.007%). This missense change has been observed in individual(s) with retinal disease, always in combination (often proven in cis) with the Pathogenic (low penetrance) variant p.Gly863Ala (PMID: 9973280, 10958763, 20647261, 28118664, 29555955, 29925512). ClinVar contains an entry for this variant (Variation ID: 7900). Invitae Evidence Modeling of protein sequence and biophysical properties (such as structural, functional, and spatial information, amino acid conservation, physicochemical variation, residue mobility, and thermodynamic stability) indicates that this missense variant is expected to disrupt ABCA4 protein function with a positive predictive value of 95%. This variant disrupts the p.Arg572 amino acid residue in ABCA4. Other variant(s) that disrupt this residue have been determined to be pathogenic (PMID: 8533764, 9973280). This suggests that this residue is clinically significant, and that variants that disrupt this residue are likely to be disease-causing. In summary, the currently available evidence indicates that the variant is pathogenic, but additional data are needed to prove that conclusively. Therefore, this variant has been classified as Likely Pathogenic.

GeneDx
Classification: Uncertain significance. Last evaluated: 2025-06-06. Review status: criteria provided, single submitter. Criteria: GeneDx Variant Classification Process June 2021. Collection method: clinical testing. Allele origin: germline. Not counted in ClinVar's aggregate classification.
Comment: Observed with pathogenic variant(s) and likely benign/benign variant(s) on the same allele (in cis), on opposite allele (in trans), and phase unknown in multiple unrelated individuals in published literature (PMID: 9973280, 29555955, 29884405, 28118664, 20647261, 10746567, 29925512); In silico analysis supports that this missense variant has a deleterious effect on protein structure/function; This variant is associated with the following publications: (PMID: 36464167, 9973280, 29555955, 29884405, 10958763, 27939946, 16123440, 11702214, 28118664, 20647261, 10746567, 11923272, 38219857, 33090715, 32037395, 29925512, 35120629, 31964843, 38309476, 39384610)

Blueprint Genetics
Classification: Uncertain significance. Last evaluated: 2024-07-22. Review status: criteria provided, single submitter. Criteria: ACMG Guidelines, 2015. Collection method: clinical testing. Allele origin: germline. Not counted in ClinVar's aggregate classification.

Fulgent Genetics
Classification: Likely pathogenic for Age related macular degeneration 2; Severe early-childhood-onset retinal dystrophy; Retinitis pigmentosa 19; Cone-rod dystrophy 3. Last evaluated: 2024-04-30. Review status: criteria provided, single submitter. Criteria: ACMG Guidelines, 2015. Collection method: clinical testing. Allele origin: germline. Not counted in ClinVar's aggregate classification.

CeGaT Center for Human Genetics Tuebingen
Classification: Uncertain significance. Last evaluated: 2018-03-01. Review status: criteria provided, single submitter. Criteria: CeGaT Center For Human Genetics Tuebingen Variant Classification Criteria Version 2. Collection method: clinical testing. Allele origin: germline. Affected: yes. Observed: 1 variant allele. Not counted in ClinVar's aggregate classification.

Institute of Human Genetics, Univ. Regensburg, Univ. Regensburg
Classification: Likely pathogenic for Retinal dystrophy. Last evaluated: 2018-01-01. Review status: criteria provided, single submitter. Criteria: ACMG Guidelines, 2015. Collection method: clinical testing. Allele origin: germline. Affected: yes. Not counted in ClinVar's aggregate classification.

Eurofins Ntd Llc (ga)
Classification: Uncertain significance. Last evaluated: 2016-08-08. Review status: criteria provided, single submitter. Criteria: EGL Classification Definitions 2015. Collection method: clinical testing. Allele origin: germline. Observed: 2 variant alleles, 2 heterozygotes. Not counted in ClinVar's aggregate classification.

Institute of Human Genetics, Univ. Regensburg, Univ. Regensburg
Classification: Likely pathogenic for Severe early-childhood-onset retinal dystrophy. Last evaluated: 2016-01-01. Review status: criteria provided, single submitter. Criteria: Schulz et al. (Invest Ophthalmol Vis Sci. 2017). Collection method: clinical testing. Allele origin: germline. Affected: yes. Observed: 1 heterozygote. Not counted in ClinVar's aggregate classification.

OMIM
Classification: Pathogenic for STARGARDT DISEASE 1. Last evaluated: 2000-02-01. Review status: no assertion criteria provided. Collection method: literature only. Allele origin: germline. Not counted in ClinVar's aggregate classification.

Retina International
No classification provided. Review status: no classification provided. Collection method: not provided. Allele origin: not provided. Not counted in ClinVar's aggregate classification.

Literature cited by the submitters: PubMed 9973280 (cited by 3 submitters); PubMed 10958763 (cited by Labcorp Genetics (formerly Invitae), Labcorp and Eurofins Ntd Llc (ga)); PubMed 20647261 (cited by Labcorp Genetics (formerly Invitae), Labcorp and Eurofins Ntd Llc (ga)); PubMed 28118664 (cited by Labcorp Genetics (formerly Invitae), Labcorp); PubMed 29555955 (cited by Labcorp Genetics (formerly Invitae), Labcorp and Institute of Human Genetics, Univ. Regensburg, Univ. Regensburg); PubMed 29925512 (cited by Labcorp Genetics (formerly Invitae), Labcorp and Institute of Human Genetics, Univ. Regensburg, Univ. Regensburg); PubMed 8533764 (cited by Labcorp Genetics (formerly Invitae), Labcorp); PubMed 31964843 (cited by Institute of Human Genetics, Univ. Regensburg, Univ. Regensburg); PubMed 33090715 (cited by Institute of Human Genetics, Univ. Regensburg, Univ. Regensburg); PubMed 32037395 (cited by Institute of Human Genetics, Univ. Regensburg, Univ. Regensburg); PubMed 36464167 (cited by Institute of Human Genetics, Univ. Regensburg, Univ. Regensburg); PubMed 10746567 (cited by Eurofins Ntd Llc (ga) and OMIM).